The following is an entry in ClinVar:

NM_001304438.2(TMEM132E):c.2501G>A (p.Gly834Glu)

Gene: TMEM132E (transmembrane protein 132E; plus strand). Cytogenetic location: 17q12.
Variant type: single nucleotide variant.
Coding change: c.2501G>A on transcript NM_001304438.2 (MANE Select); coding-DNA position 2501, G replaced by A.
Protein change: p.Gly834Glu; replaces glycine 834 with glutamic acid.
Molecular consequence: missense variant.
Genome position (GRCh38, 1-based): chr17:34,637,508, G>A. VCF-style: chr17-34637508-G-A. GRCh37 (hg19) VCF-style: chr17-32964527-G-A.
Other names: NM_207313.1:c.2231G>A; short protein forms G834E.
Identifiers: ClinVar variation 1494780 (VCV001494780.7), dbSNP rs754319502, ClinGen allele CA8496970.

ClinVar aggregate classification (germline): Uncertain significance. Review status: criteria provided, multiple submitters, no conflicts (2 of 4 stars). 2 submissions from 2 submitters: Uncertain significance (2). Last evaluated 2023-05-03.

Allele frequency attached by ClinVar (database versions not stated): ExAC 0.00001; gnomAD 0.00001; TOPMed 0.00001.
gnomAD v4.1: 7 of 1,606,282 alleles (0.00044%); highest among the groups gnomAD compares: East Asian, 0.013%; no homozygotes.

Submissions (2):

Ambry Genetics
Classification: Uncertain significance. Last evaluated: 2023-05-03. Review status: criteria provided, single submitter. Criteria: Ambry Variant Classification Scheme 2023. Collection method: clinical testing. Allele origin: germline.

Labcorp Genetics (formerly Invitae), Labcorp
Classification: Uncertain significance. Last evaluated: 2021-05-11. Review status: criteria provided, single submitter. Criteria: Invitae Variant Classification Sherloc (09022015). Collection method: clinical testing. Allele origin: germline.
Comment: In summary, the available evidence is currently insufficient to determine the role of this variant in disease. Therefore, it has been classified as a Variant of Uncertain Significance. Algorithms developed to predict the effect of missense changes on protein structure and function are either unavailable or do not agree on the potential impact of this missense change (SIFT: "Tolerated"; PolyPhen-2: "Not Available"; Align-GVGD: "Class C0"). This variant has not been reported in the literature in individuals with TMEM132E-related conditions. This variant is present in population databases (rs754319502, ExAC 0.01%). This sequence change replaces glycine with glutamic acid at codon 834 of the TMEM132E protein (p.Gly834Glu). The glycine residue is weakly conserved and there is a moderate physicochemical difference between glycine and glutamic acid.